The following is an entry in ClinVar:

NM_001148.6(ANK2):c.11324C>T (p.Thr3775Ile)

Gene: ANK2 (ankyrin 2; plus strand). Cytogenetic location: 4q26.
Variant type: single nucleotide variant.
Coding change: c.11324C>T on transcript NM_001148.6 (MANE Select); coding-DNA position 11324, C replaced by T.
Protein change: p.Thr3775Ile; replaces threonine 3775 with isoleucine.
Molecular consequence: missense variant.
Genome position (GRCh38, 1-based): chr4:113,369,519, C>T. VCF-style: chr4-113369519-C-T. GRCh37 (hg19) VCF-style: chr4-114290675-C-T.
Other names: c.5042C>T, p.Thr1681Ile (NM_001127493.3); c.5081C>T, p.Thr1694Ile (NM_001354225.2); c.4970C>T, p.Thr1657Ile (NM_001354228.2, NM_001354258.2); c.5048C>T, p.Thr1683Ile (NM_001354230.2); c.5111C>T, p.Thr1704Ile (NM_001354231.2, NM_001354242.2); c.5105C>T, p.Thr1702Ile (NM_001354232.2); c.5066C>T, p.Thr1689Ile (NM_001354235.2, NM_001354246.2, NM_001354265.2); c.4967C>T, p.Thr1656Ile (NM_001354236.2); and 35 more; short protein forms T1647I, T1668I, T1685I, T1690I, T1694I, T1704I, T3822I, T866I.
Identifiers: ClinVar variation 1728707 (VCV001728707.3), dbSNP rs962900143, ClinGen allele CA103823627.

ClinVar aggregate classification (germline): Uncertain significance. Review status: criteria provided, multiple submitters, no conflicts (2 of 4 stars). 2 submissions from 2 submitters: Uncertain significance (2). Last evaluated 2025-07-10.

Conditions:
Cardiovascular phenotype. Identifiers: MedGen CN230736.

Allele frequency attached by ClinVar (database versions not stated): gnomAD exomes below 0.00001; gnomAD 0.00001; TOPMed 0.00001.
gnomAD v4.1: 4 of 1,613,582 alleles (0.00025%); highest among the groups gnomAD compares: African/African-American, 0.0053%; no homozygotes.

Submissions (2):

GeneDx
Classification: Uncertain significance. Last evaluated: 2025-07-10. Review status: criteria provided, single submitter. Criteria: GeneDx Variant Classification Process June 2021. Collection method: clinical testing. Allele origin: germline. Affected: yes.
Comment: Not observed at significant frequency in large population cohorts (gnomAD); In silico analysis supports that this missense variant has a deleterious effect on protein structure/function; Has not been previously published as pathogenic or benign to our knowledge

Ambry Genetics
Classification: Uncertain significance for Cardiovascular phenotype. Last evaluated: 2022-12-05. Review status: criteria provided, single submitter. Criteria: Ambry Variant Classification Scheme 2023. Collection method: clinical testing. Allele origin: germline.